The following is an entry in ClinVar:

NM_000264.5(PTCH1):c.4212T>C (p.Thr1404=)

Gene: PTCH1 (patched 1; minus strand). Cytogenetic location: 9q22.32.
Variant type: single nucleotide variant.
Coding change: c.4212T>C on transcript NM_000264.5 (MANE Select); coding-DNA position 4212, T replaced by C.
Protein change: p.Thr1404=; no amino-acid change (threonine 1404 retained).
Molecular consequence: synonymous variant. On other transcripts: non-coding transcript variant (1).
Genome position (GRCh38, 1-based): chr9:95,447,044, A>G on the plus strand (T>C on the coding strand, the complement: PTCH1 is on the minus strand). VCF-style: chr9-95447044-A-G. GRCh37 (hg19) VCF-style: chr9-98209326-A-G.
Other names: c.4014T>C, p.Thr1338= (NM_001083602.3); c.4209T>C, p.Thr1403= (NM_001083603.3); c.3759T>C, p.Thr1253= (NM_001083604.3, NM_001083605.3, NM_001083606.3 and 1 more transcripts); c.4056T>C, p.Thr1352= (NM_001354918.2).
Identifiers: ClinVar variation 415477 (VCV000415477.42), dbSNP rs139086753, ClinGen allele CA5137922.

ClinVar aggregate classification (germline): Likely benign. Review status: criteria provided, multiple submitters, no conflicts (2 of 4 stars). 5 submissions from 5 submitters: Likely benign (4). 1 of the submissions does not count toward it. Last evaluated 2026-06-01.

Conditions:
Basal cell carcinoma, susceptibility to, 1. Also called: BCC1. Identifiers: MedGen C2751544, MONDO:0011556, OMIM 605462.
Basal cell nevus syndrome 1 (BCNS1). Also called: GORLIN-GOLTZ SYNDROME; MULTIPLE BASAL CELL NEVI, ODONTOGENIC KERATOCYSTS, AND SKELETAL ANOMALIES. Identifiers: MedGen CN376810, MONDO:0958174, OMIM 109400.
Holoprosencephaly 7 (HPE7). Identifiers: Orphanet 2162, MedGen C1835820, MONDO:0012562, OMIM 610828.
Hereditary cancer-predisposing syndrome. Also called: Tumor predisposition; Hereditary neoplastic syndrome; Hereditary Cancer Syndrome; Neoplastic Syndromes, Hereditary. Identifiers: Orphanet 140162, MedGen C0027672, MeSH D009386, MONDO:0015356.
Gorlin syndrome. Also called: Nevoid Basal Cell Carcinoma Syndrome; Basal cell nevus syndrome. Identifiers: Orphanet 377, MedGen C0004779, MONDO:0007187.
PTCH1-related disorder. Also called: PTCH1-related disorders; PTCH1-related condition.

Allele frequency attached by ClinVar (database versions not stated): gnomAD 0.00005 and 0.00006; gnomAD exomes 0.00006 and 0.00014; TOPMed 0.00006; ExAC 0.00007; ESP Exome Variant Server 0.00008.

Submissions (5):

CeGaT Center for Human Genetics Tuebingen
Classification: Likely benign. Last evaluated: 2026-06-01. Review status: criteria provided, single submitter. Criteria: CeGaT Center For Human Genetics Tuebingen Variant Classification Criteria Version 2. Collection method: clinical testing. Allele origin: germline. Affected: yes. Observed: 8 variant alleles.
Comment: PTCH1: BP4, BP7

Labcorp Genetics (formerly Invitae), Labcorp
Classification: Likely benign for Gorlin syndrome. Last evaluated: 2026-01-27. Review status: criteria provided, single submitter. Criteria: Invitae Variant Classification Sherloc (09022015). Collection method: clinical testing. Allele origin: germline.

Department of Pathology and Laboratory Medicine, Sinai Health System
Classification: Likely benign for Basal cell nevus syndrome 1; Basal cell carcinoma, susceptibility to, 1; Holoprosencephaly 7. Last evaluated: 2022-10-25. Review status: criteria provided, single submitter. Criteria: ACMG Guidelines, 2015. Collection method: clinical testing. Allele origin: germline. Affected: yes.

Ambry Genetics
Classification: Likely benign for Hereditary cancer-predisposing syndrome. Last evaluated: 2017-09-18. Review status: criteria provided, single submitter. Criteria: Ambry Variant Classification Scheme 2023. Collection method: clinical testing. Allele origin: germline.

PreventionGenetics, part of Exact Sciences
Classification: Likely benign for PTCH1-related condition. Last evaluated: 2023-05-15. Review status: no assertion criteria provided. Collection method: clinical testing. Allele origin: germline. Not counted in ClinVar's aggregate classification.
Comment: This variant is classified as likely benign based on ACMG/AMP sequence variant interpretation guidelines (Richards et al. 2015 PMID: 25741868, with internal and published modifications).